The following is an entry in ClinVar:

ClinVar aggregate classification (germline): Uncertain significance (1 of 4 stars; one submission).

Conditions:
Familial cancer of breast. Also called: hereditary breast carcinoma; BREAST CANCER, FAMILIAL; Hereditary breast cancer. Identifiers: Orphanet 227535, MedGen C0346153, MONDO:0016419, OMIM 114480. Disease mechanism: loss of function.

Submission:

Labcorp Genetics (formerly Invitae), Labcorp
Classification: Uncertain significance for Familial cancer of breast. Last evaluated: 2023-01-26. Review status: criteria provided, single submitter. Criteria: Invitae Variant Classification Sherloc (09022015). Collection method: clinical testing. Allele origin: germline.
Comment: This sequence change replaces serine, which is neutral and polar, with cysteine, which is neutral and slightly polar, at codon 2 of the CHEK2 protein (p.Ser2Cys). This variant is not present in population databases (gnomAD no frequency). This variant has not been reported in the literature in individuals affected with CHEK2-related conditions. Algorithms developed to predict the effect of missense changes on protein structure and function are either unavailable or do not agree on the potential impact of this missense change (SIFT: "Deleterious"; PolyPhen-2: "Probably Damaging"; Align-GVGD: "Class C0"). In summary, the available evidence is currently insufficient to determine the role of this variant in disease. Therefore, it has been classified as a Variant of Uncertain Significance.

NM_007194.4(CHEK2):c.5C>G (p.Ser2Cys)

Gene: CHEK2 (checkpoint kinase 2; minus strand). Cytogenetic location: 22q12.1.
Variant type: single nucleotide variant.
Coding change: c.5C>G on transcript NM_007194.4 (MANE Select); coding-DNA position 5, C replaced by G.
Protein change: p.Ser2Cys; replaces serine 2 with cysteine.
Molecular consequence: missense variant.
Genome position (GRCh38, 1-based): chr22:28,734,717, G>C on the plus strand (C>G on the coding strand, the complement: CHEK2 is on the minus strand). VCF-style: chr22-28734717-G-C. GRCh37 (hg19) VCF-style: chr22-29130705-G-C.
Other names: c.5C>G, p.Ser2Cys (NM_001005735.3, NM_001349956.3, NM_145862.3); c.-773C>G (NM_001257387.3); short protein forms S2C.
Identifiers: ClinVar variation 2105734 (VCV002105734.4), dbSNP rs1417811260, ClinGen allele CA411092155.